The following is an entry in ClinVar:

NC_000006.11:g.(?_129204391)_(129514018_?)del

Gene: LAMA2 (laminin subunit alpha 2; plus strand). Cytogenetic location: 6q22.33.
Variant type: Deletion.
Identifiers: ClinVar variation 2423056 (VCV002423056.5).

ClinVar aggregate classification (germline): Pathogenic (1 of 4 stars; one submission).

Conditions:
LAMA2-related muscular dystrophy (LAMA2-RD). Also called: Laminin alpha 2-related dystrophy. Identifiers: MedGen C5679788, MONDO:0100228.

Submission:

Labcorp Genetics (formerly Invitae), Labcorp
Classification: Pathogenic for LAMA2-related muscular dystrophy. Last evaluated: 2021-12-31. Review status: criteria provided, single submitter. Criteria: Invitae Variant Classification Sherloc (09022015). Collection method: clinical testing. Allele origin: germline.
Comment: For these reasons, this variant has been classified as Pathogenic. This variant has not been reported in the literature in individuals affected with LAMA2-related conditions. This variant is a gross deletion of the genomic region encompassing exon(s) 1-12 of the LAMA2 gene, which includes the initiator codon. This deletion extends beyond the assayed region for this gene and therefore may encompass additional genes. It is expected to result in an absent or disrupted protein product. Loss-of-function variants in LAMA2 are known to be pathogenic (PMID: 18700894, 32904964).

Literature cited by the submitters: PubMed 18700894; PubMed 32904964.